The following is an entry in ClinVar:

ClinVar aggregate classification (germline): Uncertain significance (1 of 4 stars; one submission).

Submission:

GeneDx
Classification: Uncertain significance. Last evaluated: 2024-07-30. Review status: criteria provided, single submitter. Criteria: GeneDx Variant Classification Process June 2021. Collection method: clinical testing. Allele origin: germline. Affected: yes.
Comment: Not observed at significant frequency in large population cohorts (gnomAD); Missense variant in a gene in which most reported pathogenic variants are truncating/loss of function; Has not been previously published as pathogenic or benign to our knowledge

NM_001267550.2(TTN):c.41468C>T (p.Pro13823Leu)

Gene: TTN (titin; minus strand). Cytogenetic location: 2q31.2.
Variant type: single nucleotide variant.
Coding change: c.41468C>T on transcript NM_001267550.2 (MANE Select); coding-DNA position 41468, C replaced by T.
Protein change: p.Pro13823Leu; replaces proline 13823 with leucine.
Molecular consequence: missense variant.
Genome position (GRCh38, 1-based): chr2:178,636,103, G>A on the plus strand (C>T on the coding strand, the complement: TTN is on the minus strand). VCF-style: chr2-178636103-G-A. GRCh37 (hg19) VCF-style: chr2-179500830-G-A.
Other names: c.36545C>T, p.Pro12182Leu (NM_001256850.1); c.14273C>T, p.Pro4758Leu (NM_003319.4); c.33764C>T, p.Pro11255Leu (NM_133378.4); c.14648C>T, p.Pro4883Leu (NM_133432.3); c.14849C>T, p.Pro4950Leu (NM_133437.4); short protein forms P11255L, P12182L, P13823L, P4758L, P4883L, P4950L.
Identifiers: ClinVar variation 1878696 (VCV001878696.2), dbSNP rs2060403983, ClinGen allele CA349658559.